The following is an entry in ClinVar:

NM_004310.5(RHOH):c.311G>A (p.Ser104Asn)

Gene: RHOH (ras homolog family member H; plus strand). Cytogenetic location: 4p14.
Variant type: single nucleotide variant.
Coding change: c.311G>A on transcript NM_004310.5 (MANE Select); coding-DNA position 311, G replaced by A.
Protein change: p.Ser104Asn; replaces serine 104 with asparagine.
Molecular consequence: missense variant.
Genome position (GRCh38, 1-based): chr4:40,243,697, G>A. VCF-style: chr4-40243697-G-A. GRCh37 (hg19) VCF-style: chr4-40245317-G-A.
Other names: c.311G>A, p.Ser104Asn (NM_001278359.2, NM_001278360.2, NM_001278361.2 and 9 more transcripts); short protein forms S104N.
Identifiers: ClinVar variation 4797587 (VCV004797587.1).
Genomic context (GRCh38, chr4:40,243,697, plus strand): 5'-CTGTGGCCAACCATAACTCATTCCTGAACTTGAAGAACAAGTGGATTGGTGAAATTAGGA[G>A]CAACTTGCCCTGTACCCCTGTGCTGGTGGTGGCCACCCAGACTGACCAGCGGGAGATGGG-3'
Protein context (NP_004301.1, residues 94-114): LKNKWIGEIR[Ser104Asn]NLPCTPVLVV

ClinVar aggregate classification (germline): Uncertain significance (1 of 4 stars; one submission).

Conditions:
T-cell immunodeficiency with epidermodysplasia verruciformis. Identifiers: Orphanet 324294, MedGen C4749500, MONDO:0017925.

Submission:

Labcorp Genetics (formerly Invitae), Labcorp
Classification: Uncertain significance for T-cell immunodeficiency with epidermodysplasia verruciformis. Last evaluated: 2025-09-10. Review status: criteria provided, single submitter. Criteria: Invitae Variant Classification Sherloc (09022015). Collection method: clinical testing. Allele origin: germline.
Comment: This sequence change replaces serine, which is neutral and polar, with asparagine, which is neutral and polar, at codon 104 of the RHOH protein (p.Ser104Asn). This variant is not present in population databases (gnomAD no frequency). This variant has not been reported in the literature in individuals affected with RHOH-related conditions. An algorithm developed to predict the effect of missense changes on protein structure and function (PolyPhen-2) suggests that this variant is likely to be tolerated. In summary, the available evidence is currently insufficient to determine the role of this variant in disease. Therefore, it has been classified as a Variant of Uncertain Significance.